The following is an entry in ClinVar:

ClinVar aggregate classification (germline): Likely pathogenic (1 of 4 stars; one submission).

Conditions:
Pyruvate carboxylase deficiency. Also called: ATAXIA WITH LACTIC ACIDOSIS II; LEIGH NECROTIZING ENCEPHALOPATHY DUE TO PYRUVATE CARBOXYLASE DEFICIENCY; LEIGH SYNDROME DUE TO PYRUVATE CARBOXYLASE DEFICIENCY; PC DEFICIENCY; Pyruvate Carboxylase Deficiency Disease. Identifiers: Orphanet 3008, MedGen C0034341, MONDO:0009949, OMIM 266150.

Submission:

Myriad Genetics, Inc.
Classification: Likely pathogenic for Pyruvate carboxylase deficiency. Last evaluated: 2022-03-08. Review status: criteria provided, single submitter. Criteria: Myriad Women's Health Autosomal Recessive and X-Linked Classification Criteria (2021). Collection method: clinical testing. Allele origin: unknown.
Comment: NM_000920.3(PC):c.2576C>A(S859*) is expected to be pathogenic in the context of pyruvate carboxylase deficiency. This variant is predicted to lead to an abnormal or absent protein product due to the creation of a premature termination codon in PC, a gene where loss-of-function variants are known to be pathogenic. Please note: this variant was assessed in the context of healthy population screening.

NM_001040716.2(PC):c.2576C>A (p.Ser859Ter)

Gene: PC (pyruvate carboxylase; minus strand). Cytogenetic location: 11q13.2.
Variant type: single nucleotide variant.
Coding change: c.2576C>A on transcript NM_001040716.2 (MANE Select); coding-DNA position 2576, C replaced by A.
Protein change: p.Ser859Ter; replaces serine 859 with a stop codon.
Molecular consequence: nonsense.
Genome position (GRCh38, 1-based): chr11:66,850,362, G>T on the plus strand (C>A on the coding strand, the complement: PC is on the minus strand). VCF-style: chr11-66850362-G-T. GRCh37 (hg19) VCF-style: chr11-66617833-G-T.
Other names: c.2576C>A, p.Ser859Ter (NM_000920.4, NM_022172.3); short protein forms S859*.
Identifiers: ClinVar variation 1725127 (VCV001725127.2), dbSNP rs1356000803, ClinGen allele CA381492664.